The following is an entry in ClinVar:

NM_001004356.3(FGFRL1):c.1192C>G (p.Leu398Val)

Gene: FGFRL1 (fibroblast growth factor receptor like 1; plus strand). Cytogenetic location: 4p16.3.
Variant type: single nucleotide variant.
Coding change: c.1192C>G on transcript NM_001004356.3 (MANE Select); coding-DNA position 1192, C replaced by G.
Protein change: p.Leu398Val; replaces leucine 398 with valine.
Molecular consequence: missense variant.
Genome position (GRCh38, 1-based): chr4:1,025,024, C>G. VCF-style: chr4-1025024-C-G. GRCh37 (hg19) VCF-style: chr4-1018812-C-G.
Other names: c.1192C>G, p.Leu398Val (NM_001004358.1, NM_001370296.1, NM_021923.3); short protein forms L398V.
Identifiers: ClinVar variation 1946951 (VCV001946951.5), dbSNP rs1488809480, ClinGen allele CA355934763.

ClinVar aggregate classification (germline): Uncertain significance (1 of 4 stars; one submission).

Allele frequency attached by ClinVar (database versions not stated): gnomAD 0.00001; TOPMed 0.00001.
gnomAD v4.1: 3 of 1,611,066 alleles (0.00019%); highest among the groups gnomAD compares: African/African-American, 0.0027%; no homozygotes.

Submission:

Labcorp Genetics (formerly Invitae), Labcorp
Classification: Uncertain significance. Last evaluated: 2022-08-15. Review status: criteria provided, single submitter. Criteria: Invitae Variant Classification Sherloc (09022015). Collection method: clinical testing. Allele origin: germline.
Comment: This variant is present in population databases (no rsID available, gnomAD 0.01%). This variant has not been reported in the literature in individuals affected with FGFRL1-related conditions. Algorithms developed to predict the effect of missense changes on protein structure and function are either unavailable or do not agree on the potential impact of this missense change (SIFT: "Deleterious"; PolyPhen-2: "Benign"; Align-GVGD: "Class C0"). In summary, the available evidence is currently insufficient to determine the role of this variant in disease. Therefore, it has been classified as a Variant of Uncertain Significance. This sequence change replaces leucine, which is neutral and non-polar, with valine, which is neutral and non-polar, at codon 398 of the FGFRL1 protein (p.Leu398Val).